The following is an entry in ClinVar:

ClinVar aggregate classification (germline): Likely benign. Review status: criteria provided, multiple submitters, no conflicts (2 of 4 stars). 2 submissions from 2 submitters: Likely benign (2). Last evaluated 2025-04-29.

Conditions:
Autosomal dominant epilepsy with auditory features. Identifiers: Orphanet 101046, MedGen C1838062, MONDO:0010898.

Allele frequency attached by ClinVar (database versions not stated): gnomAD 0.00001; gnomAD exomes 0.00001; TOPMed 0.00005.
gnomAD v4.1: 6 of 1,613,342 alleles (0.00037%); highest among the groups gnomAD compares: Admixed American, 0.01%; no homozygotes.

Submissions (2):

Labcorp Genetics (formerly Invitae), Labcorp
Classification: Likely benign for Autosomal dominant epilepsy with auditory features. Last evaluated: 2025-04-29. Review status: criteria provided, single submitter. Criteria: Invitae Variant Classification Sherloc (09022015). Collection method: clinical testing. Allele origin: germline.

GeneDx
Classification: Likely benign. Last evaluated: 2013-10-01. Review status: criteria provided, single submitter. Criteria: GeneDx Variant Classification (06012015). Collection method: clinical testing. Allele origin: germline. Affected: yes.
Comment: This variant is considered likely benign or benign based on one or more of the following criteria: it is a conservative change, it occurs at a poorly conserved position in the protein, it is predicted to be benign by multiple in silico algorithms, and/or has population frequency not consistent with disease.

NM_005097.4(LGI1):c.504-20A>G

Gene: LGI1 (leucine rich glioma inactivated 1; plus strand). Cytogenetic location: 10q23.33.
Variant type: single nucleotide variant.
Coding change: c.504-20A>G on transcript NM_005097.4 (MANE Select); 20 bases into the intron before coding-DNA position 504, A replaced by G.
Molecular consequence: intron variant.
Genome position (GRCh38, 1-based): chr10:93,792,723, A>G. VCF-style: chr10-93792723-A-G. GRCh37 (hg19) VCF-style: chr10-95552480-A-G.
Other names: c.504-20A>G (NM_001308275.2); c.360-20A>G (NM_001308276.2).
Identifiers: ClinVar variation 206021 (VCV000206021.8), dbSNP rs796052691, ClinGen allele CA315704.